The following is an entry in ClinVar:

NM_004588.5(SCN2B):c.346A>G (p.Asn116Asp)

Gene: SCN2B (sodium voltage-gated channel beta subunit 2; minus strand). Cytogenetic location: 11q23.3.
Variant type: single nucleotide variant.
Coding change: c.346A>G on transcript NM_004588.5 (MANE Select); coding-DNA position 346, A replaced by G.
Protein change: p.Asn116Asp; replaces asparagine 116 with aspartic acid.
Molecular consequence: missense variant.
Genome position (GRCh38, 1-based): chr11:118,168,187, T>C on the plus strand (A>G on the coding strand, the complement: SCN2B is on the minus strand). VCF-style: chr11-118168187-T-C. GRCh37 (hg19) VCF-style: chr11-118038902-T-C.
Other names: short protein forms N116D.
Identifiers: ClinVar variation 2757092 (VCV002757092.3), dbSNP rs2497600776, ClinGen allele CA382784911.

ClinVar aggregate classification (germline): Uncertain significance (1 of 4 stars; one submission).

Conditions:
Atrial fibrillation, familial, 14 (ATFB14). Identifiers: MedGen C3809312, MONDO:0014156, OMIM 615378.

Submission:

Labcorp Genetics (formerly Invitae), Labcorp
Classification: Uncertain significance for Atrial fibrillation, familial, 14. Last evaluated: 2023-09-01. Review status: criteria provided, single submitter. Criteria: Invitae Variant Classification Sherloc (09022015). Collection method: clinical testing. Allele origin: germline.
Comment: This sequence change replaces asparagine, which is neutral and polar, with aspartic acid, which is acidic and polar, at codon 116 of the SCN2B protein (p.Asn116Asp). In summary, the available evidence is currently insufficient to determine the role of this variant in disease. Therefore, it has been classified as a Variant of Uncertain Significance. An algorithm developed to predict the effect of missense changes on protein structure and function (PolyPhen-2) suggests that this variant is likely to be tolerated. This variant has not been reported in the literature in individuals affected with SCN2B-related conditions. This variant is not present in population databases (gnomAD no frequency).